The following is an entry in ClinVar:

ClinVar aggregate classification (germline): Conflicting classifications of pathogenicity. Review status: criteria provided, conflicting classifications (1 of 4 stars). 3 submissions from 3 submitters: Uncertain significance (2); Likely benign (1). Last evaluated 2024-09-12.

Conditions:
Familial thoracic aortic aneurysm and aortic dissection (TAAD). Also called: Thoracic aortic aneurysms and dissections. Identifiers: Orphanet 91387, MedGen C4707243, MONDO:0019625.
Marfan syndrome (MFS). Also called: Marfan syndrome, classic; Marfan syndrome type 1; Marfan's syndrome; FBN1-Related Marfan Syndrome; MARFAN SYNDROME, TYPE I. Identifiers: Orphanet 284963, Orphanet 558, MedGen C0024796, MONDO:0007947, OMIM 154700.

Submissions (3):

Color Diagnostics, LLC DBA Color Health
Classification: Likely benign for Familial thoracic aortic aneurysm and aortic dissection. Last evaluated: 2024-09-12. Review status: criteria provided, single submitter. Criteria: ACMG Guidelines, 2015. Collection method: clinical testing. Allele origin: germline.

Labcorp Genetics (formerly Invitae), Labcorp
Classification: Uncertain significance for Marfan syndrome; Familial thoracic aortic aneurysm and aortic dissection. Last evaluated: 2023-09-11. Review status: criteria provided, single submitter. Criteria: Invitae Variant Classification Sherloc (09022015). Collection method: clinical testing. Allele origin: germline.
Comment: In summary, the available evidence is currently insufficient to determine the role of this variant in disease. Therefore, it has been classified as a Variant of Uncertain Significance. Advanced modeling of protein sequence and biophysical properties (such as structural, functional, and spatial information, amino acid conservation, physicochemical variation, residue mobility, and thermodynamic stability) performed at Invitae indicates that this missense variant is not expected to disrupt FBN1 protein function. ClinVar contains an entry for this variant (Variation ID: 921836). This variant has not been reported in the literature in individuals affected with FBN1-related conditions. This variant is not present in population databases (gnomAD no frequency). This sequence change replaces isoleucine, which is neutral and non-polar, with valine, which is neutral and non-polar, at codon 505 of the FBN1 protein (p.Ile505Val).

Women's Health and Genetics/Laboratory Corporation of America, LabCorp
Classification: Uncertain significance. Last evaluated: 2020-08-03. Review status: criteria provided, single submitter. Criteria: LabCorp Variant Classification Summary - May 2015. Collection method: clinical testing. Allele origin: germline.
Comment: Variant summary: FBN1 c.1513A>G (p.Ile505Val) results in a conservative amino acid change located in the EGF-like domain (IPR000742) of the encoded protein sequence. Five of five in-silico tools predict a benign effect of the variant on protein function. The variant was absent in 251250 control chromosomes (gnomAD). The available data on variant occurrences in the general population are insufficient to allow any conclusion about variant significance. To our knowledge, no occurrence of c.1513A>G in individuals affected with Marfan Syndrome and no experimental evidence demonstrating its impact on protein function have been reported. One clinical diagnostic laboratory has submitted clinical-significance assessments for this variant to ClinVar after 2014 without evidence for independent evaluation and classified the variant as likely benign. Based on the evidence outlined above, the variant was classified as uncertain significance.

NM_000138.5(FBN1):c.1513A>G (p.Ile505Val)

Gene: FBN1 (fibrillin 1; minus strand). Cytogenetic location: 15q21.1.
Variant type: single nucleotide variant.
Coding change: c.1513A>G on transcript NM_000138.5 (MANE Select); coding-DNA position 1513, A replaced by G.
Protein change: p.Ile505Val; replaces isoleucine 505 with valine.
Molecular consequence: missense variant.
Genome position (GRCh38, 1-based): chr15:48,513,624, T>C on the plus strand (A>G on the coding strand, the complement: FBN1 is on the minus strand). VCF-style: chr15-48513624-T-C. GRCh37 (hg19) VCF-style: chr15-48805821-T-C.
Other names: short protein forms I505V.
Identifiers: ClinVar variation 921836 (VCV000921836.7), dbSNP rs2043778389, ClinGen allele CA392342589.